The following is an entry in ClinVar:

ClinVar aggregate classification (germline): Uncertain significance (0 of 4 stars; one submission).

Conditions:
PCNT-related disorder. Also called: PCNT-related condition.

gnomAD v4.1: 9 of 1,614,086 alleles (0.00056%); highest among the groups gnomAD compares: South Asian, 0.0088%; no homozygotes.

Submission:

PreventionGenetics, part of Exact Sciences
Classification: Uncertain significance for PCNT-related condition. Last evaluated: 2024-03-14. Review status: no assertion criteria provided. Collection method: clinical testing. Allele origin: germline.
Comment: The PCNT c.340C>G variant is predicted to result in the amino acid substitution p.Pro114Ala. To our knowledge, this variant has not been reported in the literature. This variant is reported in 0.0065% of alleles in individuals of South Asian descent in gnomAD. At this time, the clinical significance of this variant is uncertain due to the absence of conclusive functional and genetic evidence.

NM_006031.6(PCNT):c.340C>G (p.Pro114Ala)

Gene: PCNT (pericentrin; plus strand). Cytogenetic location: 21q22.3.
Variant type: single nucleotide variant.
Coding change: c.340C>G on transcript NM_006031.6 (MANE Select); coding-DNA position 340, C replaced by G.
Protein change: p.Pro114Ala; replaces proline 114 with alanine.
Molecular consequence: missense variant. On other transcripts: 5 prime UTR variant (1).
Genome position (GRCh38, 1-based): chr21:46,334,469, C>G. VCF-style: chr21-46334469-C-G. GRCh37 (hg19) VCF-style: chr21-47754383-C-G.
Other names: c.-15C>G (NM_001315529.2); short protein forms P114A.
Identifiers: ClinVar variation 3348265 (VCV003348265.1).
Genomic context (GRCh38, chr21:46,334,469, plus strand): 5'-GATGGAGAGAAGAGAGAGGACTTGGAACAGCTGCAGCAGAAGCAAGTCAATGACCATCCT[C>G]CAGAGCAGTGTGGGATGTTCACAGTCAGTGACCACCCACCAGAACAGCATGGGATGTTCA-3'
Protein context (NP_006022.3, residues 104-124): LQQKQVNDHP[Pro114Ala]EQCGMFTVSD